The following is an entry in ClinVar:

NM_000059.4(BRCA2):c.1273del (p.Glu425fs)

Gene: BRCA2 (BRCA2 DNA repair associated; plus strand). Cytogenetic location: 13q13.1.
Variant type: Deletion.
Coding change: c.1273del on transcript NM_000059.4 (MANE Select); coding-DNA position 1273, one base deleted (G; older notation c.1273delG).
Protein change: p.Glu425fs; shifts the reading frame from glutamic acid 425.
Molecular consequence: frameshift variant.
Genome position (GRCh38, 1-based): chr13:32,332,751, G deleted. VCF-style (leftmost placement, unchanged base first): chr13-32332750-AG-A. GRCh37 (hg19) VCF-style: chr13-32906887-AG-A.
Other names: short protein forms E425fs.
Identifiers: ClinVar variation 1171652 (VCV001171652.3), dbSNP rs2137469444, ClinGen allele CA2499222076.

ClinVar aggregate classification (germline): Pathogenic. Review status: criteria provided, multiple submitters, no conflicts (2 of 4 stars). 2 submissions from 2 submitters: Pathogenic (2). Last evaluated 2025-07-29.

Conditions:
Hereditary breast ovarian cancer syndrome. Also called: Hereditary breast and ovarian cancer; Hereditary breast and ovarian cancer syndrome; Hereditary breast and/or ovarian cancer syndrome; BRCA1- and BRCA2-Associated Hereditary Breast and Ovarian Cancer; Hereditary breast and ovarian cancer syndrome (HBOC); Breast and ovarian cancer. Identifiers: Orphanet 145, MedGen C0677776, MeSH D061325, MONDO:0003582. Disease mechanism: loss of function.
Hereditary cancer-predisposing syndrome. Also called: Tumor predisposition; Hereditary neoplastic syndrome; Hereditary Cancer Syndrome; Neoplastic Syndromes, Hereditary. Identifiers: Orphanet 140162, MedGen C0027672, MeSH D009386, MONDO:0015356.

Submissions (2):

Labcorp Genetics (formerly Invitae), Labcorp
Classification: Pathogenic for Hereditary breast ovarian cancer syndrome. Last evaluated: 2025-07-29. Review status: criteria provided, single submitter. Criteria: Invitae Variant Classification Sherloc (09022015). Collection method: clinical testing. Allele origin: germline.
Comment: This sequence change creates a premature translational stop signal (p.Glu425Lysfs*5) in the BRCA2 gene. It is expected to result in an absent or disrupted protein product. Loss-of-function variants in BRCA2 are known to be pathogenic (PMID: 20104584). This variant is not present in population databases (gnomAD no frequency). This premature translational stop signal has been observed in individual(s) with metastatic prostate cancer (PMID: 36623239). ClinVar contains an entry for this variant (Variation ID: 1171652). For these reasons, this variant has been classified as Pathogenic.

Color Diagnostics, LLC DBA Color Health
Classification: Pathogenic for Hereditary cancer-predisposing syndrome. Last evaluated: 2021-01-02. Review status: criteria provided, single submitter. Criteria: ACMG Guidelines, 2015. Collection method: clinical testing. Allele origin: germline.
Comment: This variant deletes 1 nucleotide in exon 10 of the BRCA2 gene, creating a frameshift and premature translation stop signal. This variant is expected to result in an absent or non-functional protein product. To our knowledge, this variant has not been reported in individuals affected with hereditary cancer in the literature. This variant has not been identified in the general population by the Genome Aggregation Database (gnomAD). Loss of BRCA2 function is a known mechanism of disease. Based on the available evidence, this variant is classified as Pathogenic.

Literature cited by the submitters: PubMed 20104584 (cited by Labcorp Genetics (formerly Invitae), Labcorp); PubMed 36623239 (cited by Labcorp Genetics (formerly Invitae), Labcorp).